The following is an entry in ClinVar:

NM_001352754.2(ARMC9):c.1984G>A (p.Gly662Arg)

Gene: ARMC9 (armadillo repeat containing 9; plus strand). Cytogenetic location: 2q37.1.
Variant type: single nucleotide variant.
Coding change: c.1984G>A on transcript NM_001352754.2 (MANE Select); coding-DNA position 1984, G replaced by A.
Protein change: p.Gly662Arg; replaces glycine 662 with arginine.
Molecular consequence: missense variant. On other transcripts: non-coding transcript variant (1).
Genome position (GRCh38, 1-based): chr2:231,345,080, G>A. VCF-style: chr2-231345080-G-A. GRCh37 (hg19) VCF-style: chr2-232209792-G-A.
Other names: c.1984G>A, p.Gly662Arg (NM_001271466.4, NM_001291656.2, NM_001352755.2 and 2 more transcripts); c.1885G>A, p.Gly629Arg (NM_001352757.2, NM_001352758.2); c.1879G>A, p.Gly627Arg (NM_001352759.2); c.1984G>A (NM_025139.3); short protein forms G662R, G629R, G627R.
Identifiers: ClinVar variation 1429278 (VCV001429278.9), dbSNP rs990245262, ClinGen allele CA66854298.
Genomic context (GRCh38, chr2:231,345,080, plus strand): 5'-GTGCAGTGGAGCGGGGATGAGCCCCTGCAAAGGCCCGTCACCCCCGGCGGCCACAGAAAC[G>A]GGTACCCAGTGTAAGTCAGGGCTAAAGGAAGCGGGAATTGACTTTCTTAAGCTTTGTTTT-3'
Protein context (NP_001339683.2, residues 652-672): RPVTPGGHRN[Gly662Arg]YPVVEDQHTP

ClinVar aggregate classification (germline): Uncertain significance. Review status: criteria provided, multiple submitters, no conflicts (2 of 4 stars). 2 submissions from 2 submitters: Uncertain significance (2). Last evaluated 2023-04-07.

Conditions:
Inborn genetic diseases. Identifiers: MedGen C0950123, MeSH D030342.

Allele frequency attached by ClinVar (database versions not stated): gnomAD exomes 0.00001; TOPMed 0.00001; gnomAD 0.00003.
gnomAD v4.1: 10 of 1,613,514 alleles (0.00062%); highest among the groups gnomAD compares: Middle Eastern, 0.017%; no homozygotes.

Submissions (2):

Ambry Genetics
Classification: Uncertain significance for Inborn genetic diseases. Last evaluated: 2023-04-07. Review status: criteria provided, single submitter. Criteria: Ambry Variant Classification Scheme 2023. Collection method: clinical testing. Allele origin: germline.

Labcorp Genetics (formerly Invitae), Labcorp
Classification: Uncertain significance. Last evaluated: 2022-06-27. Review status: criteria provided, single submitter. Criteria: Invitae Variant Classification Sherloc (09022015). Collection method: clinical testing. Allele origin: germline.
Comment: In summary, the available evidence is currently insufficient to determine the role of this variant in disease. Therefore, it has been classified as a Variant of Uncertain Significance. Algorithms developed to predict the effect of sequence changes on RNA splicing suggest that this variant may create or strengthen a splice site. Experimental studies and prediction algorithms are not available or were not evaluated, and the functional significance of this variant is currently unknown. This variant has not been reported in the literature in individuals affected with ARMC9-related conditions. This variant is present in population databases (no rsID available, gnomAD 0.003%). This sequence change replaces glycine, which is neutral and non-polar, with arginine, which is basic and polar, at codon 662 of the ARMC9 protein (p.Gly662Arg).